The following is an entry in ClinVar:

ClinVar aggregate classification (germline): Uncertain significance (1 of 4 stars; one submission).

Conditions:
Dilated cardiomyopathy 1O (CMD1O). Also called: CARDIOMYOPATHY, DILATED, WITH VENTRICULAR TACHYCARDIA. Identifiers: Orphanet 154, MedGen C1837839, MONDO:0012062, OMIM 608569.

Submission:

Labcorp Genetics (formerly Invitae), Labcorp
Classification: Uncertain significance for Dilated cardiomyopathy 1O. Last evaluated: 2023-08-24. Review status: criteria provided, single submitter. Criteria: Invitae Variant Classification Sherloc (09022015). Collection method: clinical testing. Allele origin: germline.
Comment: In summary, the available evidence is currently insufficient to determine the role of this variant in disease. Therefore, it has been classified as a Variant of Uncertain Significance. Advanced modeling of protein sequence and biophysical properties (such as structural, functional, and spatial information, amino acid conservation, physicochemical variation, residue mobility, and thermodynamic stability) performed at Invitae indicates that this missense variant is expected to disrupt ABCC9 protein function. This variant has not been reported in the literature in individuals affected with ABCC9-related conditions. This variant is not present in population databases (gnomAD no frequency). This sequence change replaces asparagine, which is neutral and polar, with isoleucine, which is neutral and non-polar, at codon 643 of the ABCC9 protein (p.Asn643Ile).

NM_020297.4(ABCC9):c.1928A>T (p.Asn643Ile)

Gene: ABCC9 (ATP binding cassette subfamily C member 9; minus strand). Cytogenetic location: 12p12.1.
Variant type: single nucleotide variant.
Coding change: c.1928A>T on transcript NM_020297.4 (MANE Select); coding-DNA position 1928, A replaced by T.
Protein change: p.Asn643Ile; replaces asparagine 643 with isoleucine.
Molecular consequence: missense variant.
Genome position (GRCh38, 1-based): chr12:21,882,857, T>A on the plus strand (A>T on the coding strand, the complement: ABCC9 is on the minus strand). VCF-style: chr12-21882857-T-A. GRCh37 (hg19) VCF-style: chr12-22035791-T-A.
Other names: c.1928A>T, p.Asn643Ile (NM_001377273.1, NM_005691.4); c.1064A>T, p.Asn355Ile (NM_001377274.1); short protein forms N355I, N643I.
Identifiers: ClinVar variation 2754978 (VCV002754978.3), dbSNP rs2541426669, ClinGen allele CA384135211.